The following is an entry in ClinVar:

NM_020207.7(ERCC6L2):c.1902G>C (p.Leu634Phe)

Gene: ERCC6L2 (ERCC excision repair 6 like 2; plus strand). Cytogenetic location: 9q22.32.
Variant type: single nucleotide variant.
Coding change: c.1902G>C on transcript NM_020207.7 (MANE Select); coding-DNA position 1902, G replaced by C.
Protein change: p.Leu634Phe; replaces leucine 634 with phenylalanine.
Molecular consequence: missense variant. On other transcripts: non-coding transcript variant (1).
Genome position (GRCh38, 1-based): chr9:95,955,968, G>C. VCF-style: chr9-95955968-G-C. GRCh37 (hg19) VCF-style: chr9-98718250-G-C.
Other names: c.1902G>C, p.Leu634Phe (NM_001010895.4, NM_001375291.1, NM_001375292.1 and 2 more transcripts); short protein forms L634F.
Identifiers: ClinVar variation 4618724 (VCV004618724.1), dbSNP rs1279012764.

ClinVar aggregate classification (germline): Uncertain significance (1 of 4 stars; one submission).

Conditions:
Inborn genetic diseases. Identifiers: MedGen C0950123, MeSH D030342.

gnomAD v4.1: 2 of 1,608,156 alleles (0.00012%); highest among the groups gnomAD compares: Admixed American, 0.0034%; no homozygotes.

Submission:

Ambry Genetics
Classification: Uncertain significance for Inborn genetic diseases. Last evaluated: 2025-10-12. Review status: criteria provided, single submitter. Criteria: Ambry Variant Classification Scheme 2023. Collection method: clinical testing. Allele origin: germline.
Comment: The p.L634F variant (also known as c.1902G>C), located in coding exon 13 of the ERCC6L2 gene, results from a G to C substitution at nucleotide position 1902. The leucine at codon 634 is replaced by phenylalanine, an amino acid with highly similar properties. This amino acid position is conserved. In addition, the in silico prediction for this alteration is inconclusive. Based on the available evidence, the clinical significance of this variant remains unclear.